The following is an entry in ClinVar:

NM_014363.6(SACS):c.12610_12614del (p.Ala4204fs)

Gene: SACS (sacsin molecular chaperone; minus strand). Cytogenetic location: 13q12.12.
Variant type: Deletion.
Coding change: c.12610_12614del on transcript NM_014363.6 (MANE Select); coding-DNA positions 12610 to 12614, 5 bases deleted (GCAAT; older notation c.12610_12614delGCAAT).
Protein change: p.Ala4204fs; shifts the reading frame from alanine 4204.
Molecular consequence: frameshift variant.
Genome position (GRCh38, 1-based): chr13:23,331,262-23,331,266, ATTGC deleted on the plus strand (GCAAT on the coding strand, the reverse complement: SACS is on the minus strand); deleting any 5 consecutive bases within chr13:23,331,262-23,331,268 gives the same sequence; the c. name uses the placement nearest the transcript's 3' end. VCF-style (leftmost placement, unchanged base first): chr13-23331261-AATTGC-A. GRCh37 (hg19) VCF-style: chr13-23905400-AATTGC-A.
Other names: c.12169_12173del, p.Ala4057fs (NM_001278055.2); c.12637_12641del, p.Ala4213fs (NM_001437336.1); short protein forms A4057fs, A4213fs, A4204fs.
Identifiers: ClinVar variation 5004105 (VCV005004105.1).

ClinVar aggregate classification (germline): Pathogenic (1 of 4 stars; one submission).

Conditions:
Charlevoix-Saguenay spastic ataxia (SACS). Also called: SPASTIC ATAXIA 6, AUTOSOMAL RECESSIVE; AUTOSOMAL RECESSIVE SPASTIC ATAXIA OF CHARLEVOIX-SAGUENAY; Spastic ataxia of Charlevoix-Saguenay. Identifiers: Orphanet 98, MedGen C1849140, MONDO:0010041, OMIM 270550.

Submission:

Myriad Genetics, Inc.
Classification: Pathogenic for Charlevoix-Saguenay spastic ataxia. Last evaluated: 2025-08-04. Review status: criteria provided, single submitter. Criteria: Myriad Autosomal Dominant, Autosomal Recessive and X-Linked Classification Criteria (2023). Collection method: clinical testing. Allele origin: unknown.
Comment: NM_014363.4(SACS):c.12610_12614del5(A4204Yfs*6) is a frameshift variant classified as pathogenic in the context of autosomal recessive spastic ataxia of Charlevoix-Saguenay. A4204Yfs*6 has not been observed in cases with relevant disease. Relevant functional assessments of this variant are not available in the literature. A4204Yfs*6 has not been observed in referenced population frequency databases. In summary, NM_014363.4(SACS):c.12610_12614del5(A4204Yfs*6) is a frameshift variant in a gene where loss of function is a known mechanism of disease and is predicted to disrupt protein function. Please note: this variant was assessed in the context of healthy population screening.